The following is an entry in ClinVar:

ClinVar aggregate classification (germline): Uncertain significance (1 of 4 stars; one submission).

Allele frequency attached by ClinVar (database versions not stated): gnomAD 0.00006 and 0.00005; TOPMed 0.00009; gnomAD exomes 0.00001; ExAC 0.00004.
gnomAD v4.1: 23 of 1,603,248 alleles (0.0014%); highest among the groups gnomAD compares: African/African-American, 0.029%; no homozygotes.

Submission:

GeneDx
Classification: Uncertain significance. Last evaluated: 2022-01-28. Review status: criteria provided, single submitter. Criteria: GeneDx Variant Classification Process June 2021. Collection method: clinical testing. Allele origin: germline. Affected: yes.
Comment: In silico analysis supports that this missense variant does not alter protein structure/function; Has not been previously published as pathogenic or benign to our knowledge

NM_016239.4(MYO15A):c.7472A>G (p.Glu2491Gly)

Gene: MYO15A (myosin XVA; plus strand). Cytogenetic location: 17p11.2.
Variant type: single nucleotide variant.
Coding change: c.7472A>G on transcript NM_016239.4 (MANE Select); coding-DNA position 7472, A replaced by G.
Protein change: p.Glu2491Gly; replaces glutamic acid 2491 with glycine.
Molecular consequence: missense variant.
Genome position (GRCh38, 1-based): chr17:18,150,912, A>G. VCF-style: chr17-18150912-A-G. GRCh37 (hg19) VCF-style: chr17-18054226-A-G.
Other names: short protein forms E2491G.
Identifiers: ClinVar variation 1699889 (VCV001699889.2), dbSNP rs775431462, ClinGen allele CA8424848.